The following is an entry in ClinVar:

ClinVar aggregate classification (germline): Uncertain significance (1 of 4 stars; one submission).

Allele frequency attached by ClinVar (database versions not stated): gnomAD exomes 0.00001.

Submission:

Labcorp Genetics (formerly Invitae), Labcorp
Classification: Uncertain significance. Last evaluated: 2022-03-14. Review status: criteria provided, single submitter. Criteria: Invitae Variant Classification Sherloc (09022015). Collection method: clinical testing. Allele origin: germline.
Comment: This sequence change replaces alanine, which is neutral and non-polar, with threonine, which is neutral and polar, at codon 191 of the STIL protein (p.Ala191Thr). In summary, the available evidence is currently insufficient to determine the role of this variant in disease. Therefore, it has been classified as a Variant of Uncertain Significance. Algorithms developed to predict the effect of missense changes on protein structure and function output the following: SIFT: "Tolerated"; PolyPhen-2: "Benign"; Align-GVGD: "Class C0". The threonine amino acid residue is found in multiple mammalian species, which suggests that this missense change does not adversely affect protein function. This variant has not been reported in the literature in individuals affected with STIL-related conditions. This variant is not present in population databases (gnomAD no frequency).

NM_001048166.1(STIL):c.571G>A (p.Ala191Thr)

Gene: STIL (STIL centriolar assembly protein; minus strand). Cytogenetic location: 1p33.
Variant type: single nucleotide variant.
Coding change: c.571G>A on transcript NM_001048166.1 (MANE Select); coding-DNA position 571, G replaced by A.
Protein change: p.Ala191Thr; replaces alanine 191 with threonine.
Molecular consequence: missense variant. On other transcripts: intron variant (3).
Genome position (GRCh38, 1-based): chr1:47,300,035, C>T on the plus strand (G>A on the coding strand, the complement: STIL is on the minus strand). VCF-style: chr1-47300035-C-T. GRCh37 (hg19) VCF-style: chr1-47765707-C-T.
Other names: c.571G>A, p.Ala191Thr (NM_001282936.1, NM_001282937.1, NM_003035.2); c.497-67G>A (NM_001377417.1, NM_001282939.1, NM_001282938.1); short protein forms A191T.
Identifiers: ClinVar variation 1935585 (VCV001935585.5), dbSNP rs2525104814, ClinGen allele CA340252905.